The following is an entry in ClinVar:

ClinVar aggregate classification (germline): Likely pathogenic (1 of 4 stars; one submission).

Conditions:
8q24.3 microdeletion syndrome. Also called: CHROMOSOME 8q24.3 DELETION SYNDROME; Verheij syndrome. Identifiers: Orphanet 508488, MedGen C3810023, MONDO:0014263, OMIM 615583.

Submission:

Molecular Genetics Department, Kulakov National Medical Research Center for Obstetrics, Gynecology and Perinatology
Classification: Likely pathogenic for 8q24.3 microdeletion syndrome. Review status: criteria provided, single submitter. Criteria: ACMG Guidelines, 2015. Collection method: clinical testing. Allele origin: germline. Affected: yes.
Comment: A previously undescribed nucleotide variant creates an alteration of the canonical splice site c.207+1G>A in the PUF60 gene. Loss-of-function variants are reported in patients with Verheij syndrome, 615583. The variant is not present in population database (gnomAD no frequency). In summary, the currently available evidence indicates that the variant is pathogenic, but additional data are needed to prove that conclusively. Therefore, this variant has been classified as likely pathogenic.

NM_078480.3(PUF60):c.207+1G>A

Gene: PUF60 (poly(U) binding splicing factor 60; minus strand). Cytogenetic location: 8q24.3.
Variant type: single nucleotide variant.
Coding change: c.207+1G>A on transcript NM_078480.3 (MANE Select); the canonical splice donor site of the intron after coding-DNA position 207, G replaced by A.
Molecular consequence: splice donor variant.
Genome position (GRCh38, 1-based): chr8:143,821,817, C>T on the plus strand (G>A on the coding strand, the complement: PUF60 is on the minus strand). VCF-style: chr8-143821817-C-T. GRCh37 (hg19) VCF-style: chr8-144903987-C-T.
Other names: c.120+1G>A (NM_001271097.2, NM_001271099.2); c.204+1G>A (NM_001271096.2, NM_001271098.2); c.207+1G>A (NM_014281.5); c.78+1G>A (NM_001271100.2, NM_001136033.3); c.318+1G>A (NM_001362897.2, NM_001362895.2, NM_001362896.2).
Identifiers: ClinVar variation 3062278 (VCV003062278.1), dbSNP rs2538896058, ClinGen allele CA372496391.